The following is an entry in ClinVar:

ClinVar aggregate classification (germline): Uncertain significance (1 of 4 stars; one submission).

Allele frequency attached by ClinVar (database versions not stated): gnomAD exomes below 0.00001.
gnomAD v4.1: 1 of 1,598,658 alleles (0.000063%); highest among the groups gnomAD compares: Non-Finnish European, 0.000086%; no homozygotes.

Submission:

Labcorp Genetics (formerly Invitae), Labcorp
Classification: Uncertain significance. Last evaluated: 2022-04-06. Review status: criteria provided, single submitter. Criteria: Invitae Variant Classification Sherloc (09022015). Collection method: clinical testing. Allele origin: germline.
Comment: In summary, the available evidence is currently insufficient to determine the role of this variant in disease. Therefore, it has been classified as a Variant of Uncertain Significance. Algorithms developed to predict the effect of missense changes on protein structure and function output the following: SIFT: "Tolerated"; PolyPhen-2: "Benign"; Align-GVGD: "Class C0". The alanine amino acid residue is found in multiple mammalian species, which suggests that this missense change does not adversely affect protein function. This variant has not been reported in the literature in individuals affected with EPRS-related conditions. This variant is not present in population databases (gnomAD no frequency). This sequence change replaces serine, which is neutral and polar, with alanine, which is neutral and non-polar, at codon 70 of the EPRS protein (p.Ser70Ala).

NM_004446.3(EPRS1):c.208T>G (p.Ser70Ala)

Gene: EPRS1 (glutamyl-prolyl-tRNA synthetase 1; minus strand). Cytogenetic location: 1q41.
Variant type: single nucleotide variant.
Coding change: c.208T>G on transcript NM_004446.3 (MANE Select); coding-DNA position 208, T replaced by G.
Protein change: p.Ser70Ala; replaces serine 70 with alanine.
Molecular consequence: missense variant.
Genome position (GRCh38, 1-based): chr1:220,034,937, A>C on the plus strand (T>G on the coding strand, the complement: EPRS1 is on the minus strand). VCF-style: chr1-220034937-A-C. GRCh37 (hg19) VCF-style: chr1-220208279-A-C.
Other names: short protein forms S70A.
Identifiers: ClinVar variation 2122249 (VCV002122249.4), dbSNP rs2528048420, ClinGen allele CA344640236.